The following is an entry in ClinVar:

ClinVar aggregate classification (germline): Uncertain significance (1 of 4 stars; one submission).

Conditions:
Multiple sulfatase deficiency (MSD). Also called: Multiple Sulfatase Deficiency Disease; Sulfatidosis, Juvenile, Austin Type; Mucosulfatidosis. Identifiers: Orphanet 585, MedGen C0268263, MONDO:0010088, OMIM 272200.

Allele frequency attached by ClinVar (database versions not stated): gnomAD exomes 0.00001; ExAC 0.00002.
gnomAD v4.1: 14 of 1,614,048 alleles (0.00087%); highest among the groups gnomAD compares: Admixed American, 0.0033%; no homozygotes.

Submission:

Labcorp Genetics (formerly Invitae), Labcorp
Classification: Uncertain significance for Multiple sulfatase deficiency. Last evaluated: 2023-08-17. Review status: criteria provided, single submitter. Criteria: Invitae Variant Classification Sherloc (09022015). Collection method: clinical testing. Allele origin: germline.
Comment: In summary, the available evidence is currently insufficient to determine the role of this variant in disease. Therefore, it has been classified as a Variant of Uncertain Significance. Advanced modeling of protein sequence and biophysical properties (such as structural, functional, and spatial information, amino acid conservation, physicochemical variation, residue mobility, and thermodynamic stability) performed at Invitae indicates that this missense variant is expected to disrupt SUMF1 protein function. ClinVar contains an entry for this variant (Variation ID: 2194199). This variant has not been reported in the literature in individuals affected with SUMF1-related conditions. This variant is present in population databases (rs749318590, gnomAD 0.003%). This sequence change replaces arginine, which is basic and polar, with cysteine, which is neutral and slightly polar, at codon 364 of the SUMF1 protein (p.Arg364Cys).

NM_182760.4(SUMF1):c.1090C>T (p.Arg364Cys)

Gene: SUMF1 (sulfatase modifying factor 1; minus strand). Cytogenetic location: 3p26.1.
Variant type: single nucleotide variant.
Coding change: c.1090C>T on transcript NM_182760.4 (MANE Select); coding-DNA position 1090, C replaced by T.
Protein change: p.Arg364Cys; replaces arginine 364 with cysteine.
Molecular consequence: missense variant.
Genome position (GRCh38, 1-based): chr3:4,362,179, G>A on the plus strand (C>T on the coding strand, the complement: SUMF1 is on the minus strand). VCF-style: chr3-4362179-G-A. GRCh37 (hg19) VCF-style: chr3-4403863-G-A.
Other names: c.1015C>T, p.Arg339Cys (NM_001164674.2); c.1030C>T, p.Arg344Cys (NM_001164675.2); short protein forms R339C, R344C, R364C.
Identifiers: ClinVar variation 2194199 (VCV002194199.4), dbSNP rs749318590, ClinGen allele CA2230317.